The following is an entry in ClinVar:

ClinVar aggregate classification (germline): Uncertain significance (1 of 4 stars; one submission).

Conditions:
Inborn genetic diseases. Identifiers: MedGen C0950123, MeSH D030342.

gnomAD v4.1: 10 of 1,613,760 alleles (0.00062%); highest among the groups gnomAD compares: African/African-American, 0.0027%; no homozygotes.

Submission:

Ambry Genetics
Classification: Uncertain significance for Inborn genetic diseases. Last evaluated: 2026-03-19. Review status: criteria provided, single submitter. Criteria: Ambry Variant Classification Scheme 2023. Collection method: clinical testing. Allele origin: germline.
Comment: The c.3844G>A (p.A1282T) alteration is located in exon 24 (coding exon 24) of the ATXN2 gene. This alteration results from a G to A substitution at nucleotide position 3844, causing the alanine (A) at amino acid position 1282 to be replaced by a threonine (T). Based on data from gnomAD, the A allele has an overall frequency of 0.003% (1/31386) total alleles studied. The highest observed frequency was 0.012% (1/8706) of African alleles. Based on insufficient or conflicting evidence, the clinical significance of this alteration remains unclear.

NM_001372574.1(ATXN2):c.3370G>A (p.Ala1124Thr)

Gene: ATXN2 (ataxin 2; minus strand). Cytogenetic location: 12q24.12.
Variant type: single nucleotide variant.
Coding change: c.3370G>A on transcript NM_001372574.1 (MANE Select); coding-DNA position 3370, G replaced by A.
Protein change: p.Ala1124Thr; replaces alanine 1124 with threonine.
Molecular consequence: missense variant. On other transcripts: non-coding transcript variant (1).
Genome position (GRCh38, 1-based): chr12:111,453,746, C>T on the plus strand (G>A on the coding strand, the complement: ATXN2 is on the minus strand). VCF-style: chr12-111453746-C-T. GRCh37 (hg19) VCF-style: chr12-111891550-C-T.
Other names: c.3124G>A, p.Ala1042Thr (NM_001310121.1); c.2923G>A, p.Ala975Thr (NM_001310123.1); c.3364G>A, p.Ala1122Thr (NM_002973.4); short protein forms A1042T, A1122T, A1124T, A975T.
Identifiers: ClinVar variation 4867272 (VCV004867272.1).
Genomic context (GRCh38, chr12:111,453,746, plus strand): 5'-GCGTCATATAGGGGAAATGCGCTGTTGTCGAGACTGGAATGGGCTGTAGTGCACTTTGAG[C>T]GAGGGCGGCCTGGGGACCGCCGGGTGGCTGTGTCGTCATTAGCATCATTGGCGCATGGGC-3'
Protein context (NP_001359503.1, residues 1114-1134): QPPGGPQAAL[Ala1124Thr]QSALQPIPVS